The following is an entry in ClinVar:

NM_198282.4(STING1):c.144G>C (p.Val48=)

Gene: STING1 (stimulator of interferon response cGAMP interactor 1; minus strand). Cytogenetic location: 5q31.2.
Variant type: single nucleotide variant.
Coding change: c.144G>C on transcript NM_198282.4 (MANE Select); coding-DNA position 144, G replaced by C.
Protein change: p.Val48=; no amino-acid change (valine 48 retained).
Molecular consequence: synonymous variant. On other transcripts: intron variant (1).
Genome position (GRCh38, 1-based): chr5:139,481,561, C>G on the plus strand (G>C on the coding strand, the complement: STING1 is on the minus strand). VCF-style: chr5-139481561-C-G. GRCh37 (hg19) VCF-style: chr5-138861146-C-G.
Other names: p.Val48=; c.144G>C, p.Val48= (NM_001301738.2); c.-130-219G>C (NM_001367258.1).
Identifiers: ClinVar variation 403551 (VCV000403551.22), dbSNP rs7447927, ClinGen allele CA3435495.

ClinVar aggregate classification (germline): Benign/Likely benign. Review status: criteria provided, multiple submitters, no conflicts (2 of 4 stars). 7 submissions from 7 submitters: Benign (6); Likely benign (1). Last evaluated 2026-02-04.

Conditions:
STING-associated vasculopathy with onset in infancy. Also called: Sting-associated vasculopathy, infantile-onset. Identifiers: Orphanet 425120, MedGen C4014722, MONDO:0014405, OMIM 615934.

Allele frequency attached by ClinVar (database versions not stated): 1000 Genomes Project 30x 0.42239; 1000 Genomes Project 0.42851; TOPMed 0.49784; gnomAD 0.52424 and 0.52978; ESP Exome Variant Server 0.53929.
gnomAD v4.1: 1,097,337 of 1,613,522 alleles (68%); highest among the groups gnomAD compares: Non-Finnish European, 74%; 389,177 homozygotes.

Submissions (7):

Labcorp Genetics (formerly Invitae), Labcorp
Classification: Benign for STING-associated vasculopathy with onset in infancy. Last evaluated: 2026-02-04. Review status: criteria provided, single submitter. Criteria: Invitae Variant Classification Sherloc (09022015). Collection method: clinical testing. Allele origin: germline.

Women's Health and Genetics/Laboratory Corporation of America, LabCorp
Classification: Benign. Last evaluated: 2026-01-21. Review status: criteria provided, single submitter. Criteria: LabCorp Variant Classification Summary - May 2015. Collection method: clinical testing. Allele origin: germline.

Blueprint Genetics
Classification: Likely benign. Last evaluated: 2024-11-26. Review status: criteria provided, single submitter. Criteria: ACMG Guidelines, 2015. Collection method: clinical testing. Allele origin: germline.

Unidad de Genómica Garrahan, Hospital de Pediatría Garrahan
Classification: Benign. Last evaluated: 2023-11-12. Review status: criteria provided, single submitter. Criteria: ACMG Guidelines, 2015. Collection method: clinical testing. Allele origin: germline. Affected: no. Observed: 77 variant alleles.
Comment: This variant is classified as Benign based on local population frequency. This variant was detected in 80% of patients studied by a panel of primary immunodeficiencies. Number of patients: 77. Only high quality variants are reported.

Mayo Clinic Laboratories, Mayo Clinic
Classification: Benign. Last evaluated: 2022-09-06. Review status: criteria provided, single submitter. Criteria: ACMG Guidelines, 2015. Collection method: clinical testing. Allele origin: germline. Observed: 391 variant alleles.

Genome-Nilou Lab
Classification: Benign for STING-associated vasculopathy with onset in infancy. Last evaluated: 2021-09-10. Review status: criteria provided, single submitter. Criteria: ACMG Guidelines, 2015. Collection method: clinical testing. Allele origin: germline. Affected: no.

Laboratory for Molecular Medicine, Mass General Brigham Personalized Medicine
Classification: Benign. Last evaluated: 2016-03-29. Review status: criteria provided, single submitter. Criteria: LMM Criteria. Collection method: clinical testing. Allele origin: germline.
Comment: Variant identified in a genome or exome case(s) and assessed due to predicted null impact of the variant or pathogenic assertions in the literature or databases. Disclaimer: This variant has not undergone full assessment. The following are preliminary notes: Frequency